The following is an entry in ClinVar:

ClinVar aggregate classification (germline): Uncertain significance (1 of 4 stars; one submission).

Conditions:
Atrioventricular septal defect 5 (AVSD5). Identifiers: MedGen C3280939, MONDO:0013769, OMIM 614474.

Submission:

Labcorp Genetics (formerly Invitae), Labcorp
Classification: Uncertain significance for Atrioventricular septal defect 5. Last evaluated: 2025-03-17. Review status: criteria provided, single submitter. Criteria: Invitae Variant Classification Sherloc (09022015). Collection method: clinical testing. Allele origin: germline.
Comment: This variant, c.531_545del, results in the deletion of 5 amino acid(s) of the GATA6 protein (p.Ala179_Ala183del), but otherwise preserves the integrity of the reading frame. This variant is present in population databases (rs777216159, gnomAD 0.02%). This variant has not been reported in the literature in individuals affected with GATA6-related conditions. ClinVar contains an entry for this variant (Variation ID: 2143479). Experimental studies and prediction algorithms are not available or were not evaluated, and the functional significance of this variant is currently unknown. In summary, the available evidence is currently insufficient to determine the role of this variant in disease. Therefore, it has been classified as a Variant of Uncertain Significance.

NM_005257.6(GATA6):c.531_545del (p.Ala179_Ala183del)

Gene: GATA6 (GATA binding protein 6; plus strand). Cytogenetic location: 18q11.2.
Variant type: Deletion.
Coding change: c.531_545del on transcript NM_005257.6 (MANE Select); coding-DNA positions 531 to 545, 15 bases deleted (AGCAGCCGCGGCGGC).
Protein change: p.Ala179_Ala183del.
Molecular consequence: inframe deletion.
Genome position (GRCh38, 1-based): chr18:22,171,675-22,171,689, AGCAGCCGCGGCGGC deleted; deleting any 15 consecutive bases within chr18:22,171,664-22,171,689 gives the same sequence; the c. name uses the placement nearest the transcript's 3' end. VCF-style (leftmost placement, unchanged base first): chr18-22171663-GGCCGCGGCGGCAGCA-G. GRCh37 (hg19) VCF-style: chr18-19751624-GGCCGCGGCGGCAGCA-G.
Identifiers: ClinVar variation 2143479 (VCV002143479.4), dbSNP rs777216159, ClinGen allele CA8908904.